The following is an entry in ClinVar:

ClinVar aggregate classification (germline): Uncertain significance (1 of 4 stars; one submission).

Conditions:
Leukocyte adhesion deficiency 3. Also called: INTEGRIN ACTIVATION DEFICIENCY DISEASE; LEUKOCYTE ADHESION DEFICIENCY 1 VARIANT; Leukocyte adhesion deficiency, type III. Identifiers: Orphanet 2968, Orphanet 99844, MedGen C2748536, MONDO:0013016, OMIM 612840.

Allele frequency attached by ClinVar (database versions not stated): TOPMed below 0.00001; ExAC 0.00001; gnomAD 0.00001; gnomAD exomes 0.00001.
gnomAD v4.1: 8 of 1,613,790 alleles (0.0005%); highest among the groups gnomAD compares: East Asian, 0.0022%; no homozygotes.

Submission:

Labcorp Genetics (formerly Invitae), Labcorp
Classification: Uncertain significance for Leukocyte adhesion deficiency 3. Last evaluated: 2022-02-05. Review status: criteria provided, single submitter. Criteria: Invitae Variant Classification Sherloc (09022015). Collection method: clinical testing. Allele origin: germline.
Comment: This variant has not been reported in the literature in individuals affected with FERMT3-related conditions. This variant is present in population databases (rs760031042, gnomAD 0.006%). Algorithms developed to predict the effect of missense changes on protein structure and function are either unavailable or do not agree on the potential impact of this missense change (SIFT: "Deleterious"; PolyPhen-2: "Probably Damaging"; Align-GVGD: "Class C15"). This sequence change replaces glycine, which is neutral and non-polar, with arginine, which is basic and polar, at codon 632 of the FERMT3 protein (p.Gly632Arg). In summary, the available evidence is currently insufficient to determine the role of this variant in disease. Therefore, it has been classified as a Variant of Uncertain Significance.

NM_031471.6(FERMT3):c.1894G>A (p.Gly632Arg)

Gene: FERMT3 (FERM domain containing kindlin 3; plus strand). Cytogenetic location: 11q13.1.
Variant type: single nucleotide variant.
Coding change: c.1894G>A on transcript NM_031471.6 (MANE Select); coding-DNA position 1894, G replaced by A.
Protein change: p.Gly632Arg; replaces glycine 632 with arginine.
Molecular consequence: missense variant.
Genome position (GRCh38, 1-based): chr11:64,223,394, G>A. VCF-style: chr11-64223394-G-A. GRCh37 (hg19) VCF-style: chr11-63990866-G-A.
Other names: c.1894G>A, p.Gly632Arg (NM_001382361.1, NM_001382448.1); c.1906G>A, p.Gly636Arg (NM_001382362.1, NM_178443.3); c.1354G>A, p.Gly452Arg (NM_001382363.1); c.1366G>A, p.Gly456Arg (NM_001382364.1); short protein forms G452R, G632R, G456R, G636R.
Identifiers: ClinVar variation 2089923 (VCV002089923.4), dbSNP rs760031042, ClinGen allele CA6069313.